The following is an entry in ClinVar:

NM_001161352.2(KCNMA1):c.3557G>A (p.Arg1186Gln)

Gene: KCNMA1 (potassium calcium-activated channel subfamily M alpha 1; minus strand). Cytogenetic location: 10q22.3.
Variant type: single nucleotide variant.
Coding change: c.3557G>A on transcript NM_001161352.2 (MANE Select); coding-DNA position 3557, G replaced by A.
Protein change: p.Arg1186Gln; replaces arginine 1186 with glutamine.
Molecular consequence: missense variant.
Genome position (GRCh38, 1-based): chr10:76,887,420, C>T on the plus strand (G>A on the coding strand, the complement: KCNMA1 is on the minus strand). VCF-style: chr10-76887420-C-T. GRCh37 (hg19) VCF-style: chr10-78647178-C-T.
Other names: c.3395G>A, p.Arg1132Gln (NM_001014797.3); c.3506G>A, p.Arg1169Gln (NM_001161353.2); c.3233G>A, p.Arg1078Gln (NM_001271518.2); c.3473G>A, p.Arg1158Gln (NM_001271519.2); c.3392G>A, p.Arg1131Gln (NM_001322829.2, NM_001322836.2); c.3485G>A, p.Arg1162Gln (NM_001322830.2); c.3383G>A, p.Arg1128Gln (NM_001322832.2, NM_002247.4); c.3476G>A, p.Arg1159Gln (NM_001322835.2, NM_001322837.2); and 1 more; short protein forms R1128Q, R1132Q, R1078Q, R1159Q, R1186Q, R1131Q, R1162Q, R1169Q.
Identifiers: ClinVar variation 576136 (VCV000576136.50), dbSNP rs200141207, ClinGen allele CA210076467.

ClinVar aggregate classification (germline): Uncertain significance. Review status: criteria provided, multiple submitters, no conflicts (2 of 4 stars). 2 submissions from 2 submitters: Uncertain significance (2). Last evaluated 2025-10-06.

Conditions:
Generalized epilepsy-paroxysmal dyskinesia syndrome (PNKD3). Also called: Generalized epilepsy and paroxysmal dyskinesia; Paroxysmal nonkinesigenic dyskinesia, 3, with or without generalized epilepsy. Identifiers: Orphanet 79137, MedGen C5574945, MONDO:0012276, OMIM 609446.

Allele frequency attached by ClinVar (database versions not stated): gnomAD exomes 0.00004 and 0.00001.
gnomAD v4.1: 53 of 1,614,042 alleles (0.0033%); highest among the groups gnomAD compares: Non-Finnish European, 0.0036%; no homozygotes.

Submissions (2):

Labcorp Genetics (formerly Invitae), Labcorp
Classification: Uncertain significance for Generalized epilepsy-paroxysmal dyskinesia syndrome. Last evaluated: 2025-10-06. Review status: criteria provided, single submitter. Criteria: Invitae Variant Classification Sherloc (09022015). Collection method: clinical testing. Allele origin: germline.
Comment: This sequence change replaces arginine, which is basic and polar, with glutamine, which is neutral and polar, at codon 1128 of the KCNMA1 protein (p.Arg1128Gln). This variant is present in population databases (rs200141207, gnomAD 0.004%). This variant has not been reported in the literature in individuals affected with KCNMA1-related conditions. ClinVar contains an entry for this variant (Variation ID: 576136). An algorithm developed to predict the effect of missense changes on protein structure and function (PolyPhen-2) suggests that this variant is likely to be disruptive. In summary, the available evidence is currently insufficient to determine the role of this variant in disease. Therefore, it has been classified as a Variant of Uncertain Significance.

CeGaT Center for Human Genetics Tuebingen
Classification: Uncertain significance. Last evaluated: 2018-08-01. Review status: criteria provided, single submitter. Criteria: CeGaT Center For Human Genetics Tuebingen Variant Classification Criteria Version 2. Collection method: clinical testing. Allele origin: germline. Affected: yes. Observed: 1 variant allele.